The following is an entry in ClinVar:

NM_002303.6(LEPR):c.1846del (p.Arg615_Leu616insTer)

Gene: LEPR (leptin receptor; plus strand). Cytogenetic location: 1p31.3.
Variant type: Deletion.
Coding change: c.1846del on transcript NM_002303.6 (MANE Select); coding-DNA position 1846, one base deleted (C; older notation c.1846delC).
Protein change: p.Arg615_Leu616insTer.
Molecular consequence: nonsense.
Genome position (GRCh38, 1-based): chr1:65,610,040, C deleted. VCF-style (leftmost placement, unchanged base first): chr1-65610039-GC-G. GRCh37 (hg19) VCF-style: chr1-66075722-GC-G.
Other names: c.1846del, p.Arg615_Leu616insTer (NM_001003679.3, NM_001003680.3, NM_001198687.2 and 2 more transcripts).
Identifiers: ClinVar variation 4811500 (VCV004811500.1).

ClinVar aggregate classification (germline): Pathogenic (1 of 4 stars; one submission).

Submission:

Labcorp Genetics (formerly Invitae), Labcorp
Classification: Pathogenic. Last evaluated: 2025-08-11. Review status: criteria provided, single submitter. Criteria: Invitae Variant Classification Sherloc (09022015). Collection method: clinical testing. Allele origin: germline.
Comment: This sequence change creates a premature translational stop signal (p.Leu616*) in the LEPR gene. It is expected to result in an absent or disrupted protein product. Loss-of-function variants in LEPR are known to be pathogenic (PMID: 23616257, 24319006, 25751111). This variant is present in population databases (no rsID available, gnomAD 0.003%). This variant has not been reported in the literature in individuals affected with LEPR-related conditions. Algorithms developed to predict the effect of sequence changes on RNA splicing suggest that this variant may disrupt the consensus splice site. For these reasons, this variant has been classified as Pathogenic.

Literature cited by the submitters: PubMed 23616257; PubMed 24319006; PubMed 25751111.